The following is an entry in ClinVar:

ClinVar aggregate classification (germline): Pathogenic (1 of 4 stars; one submission).

Conditions:
Nephronophthisis 18 (NPHP18). Identifiers: Orphanet 655, MedGen C3890591, MONDO:0014374, OMIM 615862.

Submission:

Labcorp Genetics (formerly Invitae), Labcorp
Classification: Pathogenic for Nephronophthisis 18. Last evaluated: 2022-09-25. Review status: criteria provided, single submitter. Criteria: Invitae Variant Classification Sherloc (09022015). Collection method: clinical testing. Allele origin: germline.
Comment: This variant has not been reported in the literature in individuals affected with CEP83-related conditions. This sequence change creates a premature translational stop signal (p.Glu443*) in the CEP83 gene. It is expected to result in an absent or disrupted protein product. Loss-of-function variants in CEP83 are known to be pathogenic (PMID: 23530209, 24882706). This variant is present in population databases (no rsID available, gnomAD 0.0009%). Algorithms developed to predict the effect of sequence changes on RNA splicing suggest that this variant may disrupt the consensus splice site. For these reasons, this variant has been classified as Pathogenic.

Literature cited by the submitters: PubMed 23530209; PubMed 24882706.

NM_016122.3(CEP83):c.1327G>T (p.Glu443Ter)

Gene: CEP83 (centrosomal protein 83; minus strand). Cytogenetic location: 12q22.
Variant type: single nucleotide variant.
Coding change: c.1327G>T on transcript NM_016122.3 (MANE Select); coding-DNA position 1327, G replaced by T.
Protein change: p.Glu443Ter; replaces glutamic acid 443 with a stop codon.
Molecular consequence: nonsense. On other transcripts: non-coding transcript variant (1).
Genome position (GRCh38, 1-based): chr12:94,367,810, C>A on the plus strand (G>T on the coding strand, the complement: CEP83 is on the minus strand). VCF-style: chr12-94367810-C-A. GRCh37 (hg19) VCF-style: chr12-94761586-C-A.
Other names: c.1327G>T, p.Glu443Ter (NM_001042399.2, NM_001346457.2, NM_001368037.1 and 1 more transcripts); c.1015G>T, p.Glu339Ter (NM_001346458.2, NM_001346459.2, NM_001368039.1 and 1 more transcripts); c.1102G>T, p.Glu368Ter (NM_001368041.1); short protein forms E443*, E339*, E368*.
Identifiers: ClinVar variation 2032587 (VCV002032587.4), dbSNP rs1437433749, ClinGen allele CA386145323.